The following is an entry in ClinVar:

ClinVar aggregate classification (germline): Likely benign. Review status: criteria provided, single submitter (1 of 4 stars). 2 submissions from 2 submitters: Likely benign (1). 1 of the submissions does not count toward it. Last evaluated 2026-01-01.

Conditions:
Ulnar-mammary syndrome (UMS). Also called: PALLISTER ULNAR-MAMMARY SYNDROME; SCHINZEL SYNDROME; Ulnar-mammary syndrome of Pallister. Identifiers: Orphanet 3138, MedGen C1866994, MONDO:0008411, OMIM 181450.
TBX3-related disorder. Also called: TBX3-related condition.

Allele frequency attached by ClinVar (database versions not stated): gnomAD exomes below 0.00001; TOPMed 0.00006; gnomAD 0.00007.
gnomAD v4.1: 15 of 1,542,226 alleles (0.00097%); highest among the groups gnomAD compares: African/African-American, 0.019%; no homozygotes.

Submissions (2):

Labcorp Genetics (formerly Invitae), Labcorp
Classification: Likely benign for Ulnar-mammary syndrome. Last evaluated: 2026-01-01. Review status: criteria provided, single submitter. Criteria: Invitae Variant Classification Sherloc (09022015). Collection method: clinical testing. Allele origin: germline.

PreventionGenetics, part of Exact Sciences
Classification: Likely benign for TBX3-related condition. Last evaluated: 2023-04-19. Review status: no assertion criteria provided. Collection method: clinical testing. Allele origin: germline. Not counted in ClinVar's aggregate classification.
Comment: This variant is classified as likely benign based on ACMG/AMP sequence variant interpretation guidelines (Richards et al. 2015 PMID: 25741868, with internal and published modifications).

NM_005996.4(TBX3):c.1410C>T (p.Ala470=)

Gene: TBX3 (T-box transcription factor 3; minus strand). Cytogenetic location: 12q24.21.
Variant type: single nucleotide variant.
Coding change: c.1410C>T on transcript NM_005996.4 (MANE Select); coding-DNA position 1410, C replaced by T.
Protein change: p.Ala470=; no amino-acid change (alanine 470 retained).
Molecular consequence: synonymous variant.
Genome position (GRCh38, 1-based): chr12:114,674,465, G>A on the plus strand (C>T on the coding strand, the complement: TBX3 is on the minus strand). VCF-style: chr12-114674465-G-A. GRCh37 (hg19) VCF-style: chr12-115112270-G-A.
Other names: c.1470C>T, p.Ala490= (NM_016569.4); c.1470C>T (NM_016569.3).
Identifiers: ClinVar variation 2738520 (VCV002738520.4), dbSNP rs980793280, ClinGen allele CA244143575.
Genomic context (GRCh38, chr12:114,674,465, plus strand): 5'-TTGGCCCGCCAGGCCCGGGGCGAAGCCGAGGCCAGGCAGGGGGCCCTGGGCCAGGTGCGC[G>A]GCGGCCGCGTCCGTCTGCACCGTGAGCGGCGCGAAGGCCTCCTTGCCCGGGAGCGCGCGC-3'
Protein context (NP_005987.3, residues 460-480): APLTVQTDAA[Ala470=]AHLAQGPLPG